The following is an entry in ClinVar:

NM_000230.3(LEP):c.315G>A (p.Arg105=)

Gene: LEP (leptin; plus strand). Cytogenetic location: 7q32.1.
Variant type: single nucleotide variant.
Coding change: c.315G>A on transcript NM_000230.3 (MANE Select); coding-DNA position 315, G replaced by A.
Protein change: p.Arg105=; no amino-acid change (arginine 105 retained).
Molecular consequence: synonymous variant.
Genome position (GRCh38, 1-based): chr7:128,254,574, G>A. VCF-style: chr7-128254574-G-A. GRCh37 (hg19) VCF-style: chr7-127894627-G-A.
Identifiers: ClinVar variation 4993307 (VCV004993307.1).

ClinVar aggregate classification (germline): Likely benign (1 of 4 stars; one submission).

Conditions:
LEP-related disorder. Also called: LEP-related condition.

gnomAD v4.1: 9 of 1,614,178 alleles (0.00056%); highest among the groups gnomAD compares: Non-Finnish European, 0.00076%; no homozygotes.

Submission:

PreventionGenetics, part of Exact Sciences
Classification: Likely benign for LEP-related condition. Last evaluated: 2026-05-18. Review status: criteria provided, single submitter. Criteria: ACMG Guidelines, 2015. Collection method: clinical testing. Allele origin: germline.
Comment: This variant is classified as likely benign based on ACMG/AMP sequence variant interpretation guidelines (Richards et al. 2015 PMID: 25741868, with internal and published modifications).